The following is an entry in ClinVar:

ClinVar aggregate classification (germline): Conflicting classifications of pathogenicity. Review status: criteria provided, conflicting classifications (1 of 4 stars). 3 submissions from 3 submitters: Uncertain significance (2); Likely benign (1). Last evaluated 2025-08-13.

Conditions:
Cardiovascular phenotype. Identifiers: MedGen CN230736.
Aortic valve disease 2 (AOVD2). Identifiers: MedGen C3542024, MONDO:0013902, OMIM 614823.

Allele frequency attached by ClinVar (database versions not stated): gnomAD 0.00011 and 0.00012; TOPMed 0.00011; gnomAD exomes 0.00002; 1000 Genomes Project 0.00040; ExAC 0.00002; 1000 Genomes Project 30x 0.00062.
gnomAD v4.1: 48 of 1,613,760 alleles (0.003%); highest among the groups gnomAD compares: African/African-American, 0.04%; no homozygotes.

Submissions (3):

Labcorp Genetics (formerly Invitae), Labcorp
Classification: Uncertain significance for Aortic valve disease 2. Last evaluated: 2025-08-13. Review status: criteria provided, single submitter. Criteria: Invitae Variant Classification Sherloc (09022015). Collection method: clinical testing. Allele origin: germline.
Comment: This sequence change replaces alanine, which is neutral and non-polar, with valine, which is neutral and non-polar, at codon 384 of the TBX5 protein (p.Ala384Val). This variant is present in population databases (rs530882236, gnomAD 0.02%). This missense change has been observed in individual(s) with dilated cardiomyopathy (PMID: 31983221). ClinVar contains an entry for this variant (Variation ID: 286081). Invitae Evidence Modeling of protein sequence and biophysical properties (such as structural, functional, and spatial information, amino acid conservation, physicochemical variation, residue mobility, and thermodynamic stability) indicates that this missense variant is not expected to disrupt TBX5 protein function with a negative predictive value of 80%. In summary, the available evidence is currently insufficient to determine the role of this variant in disease. Therefore, it has been classified as a Variant of Uncertain Significance.

Ambry Genetics
Classification: Likely benign for Cardiovascular phenotype. Last evaluated: 2025-06-06. Review status: criteria provided, single submitter. Criteria: Ambry Variant Classification Scheme 2023. Collection method: clinical testing. Allele origin: germline.

Eurofins Ntd Llc (ga)
Classification: Uncertain significance. Last evaluated: 2016-02-24. Review status: criteria provided, single submitter. Criteria: EGL Classification Definitions 2015. Collection method: clinical testing. Allele origin: germline. Observed: 1 variant allele, 1 heterozygote.

Literature cited by the submitters: PubMed 31983221 (cited by Labcorp Genetics (formerly Invitae), Labcorp and Ambry Genetics); PubMed 29396561 (cited by Ambry Genetics).

NM_181486.4(TBX5):c.1151C>T (p.Ala384Val)

Gene: TBX5 (T-box transcription factor 5; minus strand). Cytogenetic location: 12q24.21.
Variant type: single nucleotide variant.
Coding change: c.1151C>T on transcript NM_181486.4 (MANE Select); coding-DNA position 1151, C replaced by T.
Protein change: p.Ala384Val; replaces alanine 384 with valine.
Molecular consequence: missense variant.
Genome position (GRCh38, 1-based): chr12:114,355,938, G>A on the plus strand (C>T on the coding strand, the complement: TBX5 is on the minus strand). VCF-style: chr12-114355938-G-A. GRCh37 (hg19) VCF-style: chr12-114793743-G-A.
Other names: c.1151C>T, p.Ala384Val (NM_000192.3); c.1001C>T, p.Ala334Val (NM_080717.4); short protein forms A384V, A334V.
Identifiers: ClinVar variation 286081 (VCV000286081.11), dbSNP rs530882236, ClinGen allele CA6809397.